The following is an entry in ClinVar:

ClinVar aggregate classification (germline): Uncertain significance (1 of 4 stars; one submission).

Submission:

CeGaT Center for Human Genetics Tuebingen
Classification: Uncertain significance. Last evaluated: 2025-12-01. Review status: criteria provided, single submitter. Criteria: CeGaT Center For Human Genetics Tuebingen Variant Classification Criteria Version 2. Collection method: clinical testing. Allele origin: germline. Affected: yes. Observed: 1 variant allele.
Comment: PITX1: PM2, BP4

NM_002653.5(PITX1):c.215C>A (p.Ala72Glu)

Gene: PITX1 (paired like homeodomain 1; minus strand). Cytogenetic location: 5q31.1.
Variant type: single nucleotide variant.
Coding change: c.215C>A on transcript NM_002653.5 (MANE Select); coding-DNA position 215, C replaced by A.
Protein change: p.Ala72Glu; replaces alanine 72 with glutamic acid.
Molecular consequence: missense variant.
Genome position (GRCh38, 1-based): chr5:135,031,463, G>T on the plus strand (C>A on the coding strand, the complement: PITX1 is on the minus strand). VCF-style: chr5-135031463-G-T. GRCh37 (hg19) VCF-style: chr5-134367153-G-T.
Other names: short protein forms A72E.
Identifiers: ClinVar variation 4681828 (VCV004681828.5).